The following is an entry in ClinVar:

ClinVar aggregate classification (germline): Uncertain significance (1 of 4 stars; one submission).

Submission:

Labcorp Genetics (formerly Invitae), Labcorp
Classification: Uncertain significance. Last evaluated: 2022-08-10. Review status: criteria provided, single submitter. Criteria: Invitae Variant Classification Sherloc (09022015). Collection method: clinical testing. Allele origin: germline.
Comment: In summary, the available evidence is currently insufficient to determine the role of this variant in disease. Therefore, it has been classified as a Variant of Uncertain Significance. This variant disrupts a region of the MYO6 protein in which other variant(s) (p.Cys1256Valfs*29) have been observed in individuals with MYO6-related conditions (PMID: 33111345). This suggests that this is a clinically significant region of the protein, and that variants that disrupt it are likely to be disease-causing. Experimental studies and prediction algorithms are not available or were not evaluated, and the functional significance of this variant is currently unknown. This variant has not been reported in the literature in individuals affected with MYO6-related conditions. This variant is not present in population databases (gnomAD no frequency). This sequence change creates a premature translational stop signal (p.Lys1239*) in the MYO6 gene. While this is not anticipated to result in nonsense mediated decay, it is expected to disrupt the last 47 amino acid(s) of the MYO6 protein.

Literature cited by the submitters: PubMed 33111345.

NM_004999.4(MYO6):c.3715A>T (p.Lys1239Ter)

Gene: MYO6 (myosin VI; plus strand). Cytogenetic location: 6q14.1.
Variant type: single nucleotide variant.
Coding change: c.3715A>T on transcript NM_004999.4 (MANE Select); coding-DNA position 3715, A replaced by T.
Protein change: p.Lys1239Ter; replaces lysine 1239 with a stop codon.
Molecular consequence: nonsense. On other transcripts: non-coding transcript variant (1).
Genome position (GRCh38, 1-based): chr6:75,914,869, A>T. VCF-style: chr6-75914869-A-T. GRCh37 (hg19) VCF-style: chr6-76624586-A-T.
Other names: c.3646A>T, p.Lys1216Ter (NM_001300899.2); c.3619A>T, p.Lys1207Ter (NM_001368136.1); c.3676A>T, p.Lys1226Ter (NM_001368137.1); c.3631A>T, p.Lys1211Ter (NM_001368138.1); c.3742A>T, p.Lys1248Ter (NM_001368865.1); c.3715A>T, p.Lys1239Ter (NM_001368866.1); short protein forms K1207*, K1248*, K1239*, K1216*, K1211*, K1226*.
Identifiers: ClinVar variation 2023515 (VCV002023515.4), dbSNP rs1379081024, ClinGen allele CA364762903.